The following is an entry in ClinVar:

NM_005732.4(RAD50):c.3210T>A (p.Asn1070Lys)

Gene: RAD50 (RAD50 double strand break repair protein; plus strand). Cytogenetic location: 5q31.1.
Variant type: single nucleotide variant.
Coding change: c.3210T>A on transcript NM_005732.4 (MANE Select); coding-DNA position 3210, T replaced by A.
Protein change: p.Asn1070Lys; replaces asparagine 1070 with lysine.
Molecular consequence: missense variant.
Genome position (GRCh38, 1-based): chr5:132,618,115, T>A. VCF-style: chr5-132618115-T-A. GRCh37 (hg19) VCF-style: chr5-131953807-T-A.
Other names: c.3210T>A (NM_005732.3); short protein forms N1070K.
Identifiers: ClinVar variation 1933352 (VCV001933352.6), dbSNP rs2149853828, ClinGen allele CA360964339.

ClinVar aggregate classification (germline): Uncertain significance. Review status: criteria provided, multiple submitters, no conflicts (2 of 4 stars). 2 submissions from 2 submitters: Uncertain significance (2). Last evaluated 2026-05-14.

Conditions:
Hereditary cancer-predisposing syndrome. Also called: Neoplastic Syndromes, Hereditary; Tumor predisposition; Hereditary Cancer Syndrome; Hereditary neoplastic syndrome. Identifiers: Orphanet 140162, MedGen C0027672, MeSH D009386, MONDO:0015356.

Submissions (2):

Ambry Genetics
Classification: Uncertain significance for Hereditary cancer-predisposing syndrome. Last evaluated: 2026-05-14. Review status: criteria provided, single submitter. Criteria: Ambry Variant Classification Scheme 2023. Collection method: clinical testing. Allele origin: germline.
Comment: The p.N1070K variant (also known as c.3210T>A), located in coding exon 21 of the RAD50 gene, results from a T to A substitution at nucleotide position 3210. The asparagine at codon 1070 is replaced by lysine, an amino acid with similar properties. This amino acid position is conserved. In addition, this alteration is predicted to be tolerated by in silico analysis. Based on the available evidence, the clinical significance of this variant remains unclear.

Labcorp Genetics (formerly Invitae), Labcorp
Classification: Uncertain significance for Hereditary cancer-predisposing syndrome. Last evaluated: 2022-06-29. Review status: criteria provided, single submitter. Criteria: Invitae Variant Classification Sherloc (09022015). Collection method: clinical testing. Allele origin: germline.
Comment: In summary, the available evidence is currently insufficient to determine the role of this variant in disease. Therefore, it has been classified as a Variant of Uncertain Significance. Algorithms developed to predict the effect of missense changes on protein structure and function (SIFT, PolyPhen-2, Align-GVGD) all suggest that this variant is likely to be tolerated. This variant has not been reported in the literature in individuals affected with RAD50-related conditions. This variant is not present in population databases (gnomAD no frequency). This sequence change replaces asparagine, which is neutral and polar, with lysine, which is basic and polar, at codon 1070 of the RAD50 protein (p.Asn1070Lys).